The following is an entry in ClinVar:

ClinVar aggregate classification (germline): Pathogenic (1 of 4 stars; one submission).

Conditions:
Renal carnitine transport defect (CDSP). Also called: Systemic primary carnitine deficiency; Primary carnitine deficiency; CARNITINE DEFICIENCY, SYSTEMIC, DUE TO DEFECT IN RENAL REABSORPTION OF CARNITINE; CARNITINE TRANSPORTER, PLASMA-MEMBRANE, DEFICIENCY OF; CARNITINE UPTAKE DEFECT; Systemic primary carnitine deficiency disease. Identifiers: Orphanet 158, MedGen C0342788, MONDO:0008919, OMIM 212140.

gnomAD v4.1: 3 of 1,613,304 alleles (0.00019%); highest among the groups gnomAD compares: African/African-American, 0.004%; no homozygotes.

Submission:

Labcorp Genetics (formerly Invitae), Labcorp
Classification: Pathogenic for Renal carnitine transport defect. Last evaluated: 2024-04-26. Review status: criteria provided, single submitter. Criteria: Invitae Variant Classification Sherloc (09022015). Collection method: clinical testing. Allele origin: germline.
Comment: This sequence change creates a premature translational stop signal (p.Gln326*) in the SLC22A5 gene. It is expected to result in an absent or disrupted protein product. Loss-of-function variants in SLC22A5 are known to be pathogenic (PMID: 9916797). This variant is present in population databases (no rsID available, gnomAD 0.01%). This premature translational stop signal has been observed in individual(s) with primary carnitine deficiency (PMID: 29132460). ClinVar contains an entry for this variant (Variation ID: 1426461). For these reasons, this variant has been classified as Pathogenic.

Literature cited by the submitters: PubMed 9916797; PubMed 29132460.

NM_003060.4(SLC22A5):c.976C>T (p.Gln326Ter)

Gene: SLC22A5 (solute carrier family 22 member 5; plus strand). Cytogenetic location: 5q31.1.
Variant type: single nucleotide variant.
Coding change: c.976C>T on transcript NM_003060.4 (MANE Select); coding-DNA position 976, C replaced by T.
Protein change: p.Gln326Ter; replaces glutamine 326 with a stop codon.
Molecular consequence: nonsense.
Genome position (GRCh38, 1-based): chr5:132,388,945, C>T. VCF-style: chr5-132388945-C-T. GRCh37 (hg19) VCF-style: chr5-131724637-C-T.
Other names: c.1048C>T, p.Gln350Ter (NM_001308122.2); short protein forms Q326*, Q350*.
Identifiers: ClinVar variation 1426461 (VCV001426461.6), dbSNP rs1047810495, ClinGen allele CA127211536.
Genomic context (GRCh38, chr5:132,388,945, plus strand): 5'-TCTTCTTCCCATACACTTATGATGTTGTTCCTGCAGTTACAAGACCTAAGTTCCAAGAAG[C>T]AGCAGTCCCACAACATTCTGGATCTGCTTCGAACCTGGAATATCCGGATGGTCACCATCA-3'